The following is an entry in ClinVar:

NM_025132.4(WDR19):c.3000T>C (p.Ile1000=)

Gene: WDR19 (WD repeat domain 19; plus strand). Cytogenetic location: 4p14.
Variant type: single nucleotide variant.
Coding change: c.3000T>C on transcript NM_025132.4 (MANE Select); coding-DNA position 3000, T replaced by C.
Protein change: p.Ile1000=; no amino-acid change (isoleucine 1000 retained).
Molecular consequence: synonymous variant.
Genome position (GRCh38, 1-based): chr4:39,254,029, T>C. VCF-style: chr4-39254029-T-C. GRCh37 (hg19) VCF-style: chr4-39255649-T-C.
Other names: c.2520T>C, p.Ile840= (NM_001317924.2).
Identifiers: ClinVar variation 1510932 (VCV001510932.6), dbSNP rs1733517192, ClinGen allele CA438942642.

ClinVar aggregate classification (germline): Uncertain significance (1 of 4 stars; one submission).

Conditions:
Asphyxiating thoracic dystrophy 5 (SRTD5). Also called: SHORT-RIB THORACIC DYSPLASIA 5 WITH OR WITHOUT POLYDACTYLY; SHORT-RIB THORACIC DYSPLASIA 5 WITHOUT POLYDACTYLY. Identifiers: Orphanet 474, MedGen C3280598, MONDO:0013717, OMIM 614376.
Senior-Loken syndrome 8 (SLSN8). Identifiers: Orphanet 3156, MedGen C4225376, MONDO:0014579, OMIM 616307.

Submission:

Labcorp Genetics (formerly Invitae), Labcorp
Classification: Uncertain significance for Senior-Loken syndrome 8; Asphyxiating thoracic dystrophy 5. Last evaluated: 2025-03-17. Review status: criteria provided, single submitter. Criteria: Invitae Variant Classification Sherloc (09022015). Collection method: clinical testing. Allele origin: germline.
Comment: This sequence change affects codon 1000 of the WDR19 mRNA. It is a 'silent' change, meaning that it does not change the encoded amino acid sequence of the WDR19 protein. It affects a nucleotide within the consensus splice site. This variant is not present in population databases (gnomAD no frequency). This variant has not been reported in the literature in individuals affected with WDR19-related conditions. ClinVar contains an entry for this variant (Variation ID: 1510932). Algorithms developed to predict the effect of sequence changes on RNA splicing suggest that this variant is not likely to affect RNA splicing. In summary, the available evidence is currently insufficient to determine the role of this variant in disease. Therefore, it has been classified as a Variant of Uncertain Significance.